The following is an entry in ClinVar:

NM_000064.4(C3):c.1718G>T (p.Arg573Leu)

Gene: C3 (complement C3; minus strand). Cytogenetic location: 19p13.3.
Variant type: single nucleotide variant.
Coding change: c.1718G>T on transcript NM_000064.4 (MANE Select); coding-DNA position 1718, G replaced by T.
Protein change: p.Arg573Leu; replaces arginine 573 with leucine.
Molecular consequence: missense variant.
Genome position (GRCh38, 1-based): chr19:6,709,811, C>A on the plus strand (G>T on the coding strand, the complement: C3 is on the minus strand). VCF-style: chr19-6709811-C-A. GRCh37 (hg19) VCF-style: chr19-6709822-C-A.
Other names: short protein forms R573L.
Identifiers: ClinVar variation 3584151 (VCV003584151.3).

ClinVar aggregate classification (germline): Uncertain significance. Review status: criteria provided, multiple submitters, no conflicts (2 of 4 stars). 2 submissions from 2 submitters: Uncertain significance (2). Last evaluated 2025-01-21.

Conditions:
Atypical hemolytic-uremic syndrome with C3 anomaly. Also called: AHUS, SUSCEPTIBILITY TO, 5. Identifiers: Orphanet 2134, MedGen C2752037, MONDO:0013043, OMIM 612925.
Age related macular degeneration 9. Identifiers: MedGen C1969651, MONDO:0012659, OMIM 611378.
Complement component 3 deficiency. Identifiers: Orphanet 280133, MedGen C3151071, MONDO:0013417, OMIM 613779.

gnomAD v4.1: 5 of 1,613,782 alleles (0.00031%); highest among the groups gnomAD compares: East Asian, 0.011%; no homozygotes.

Submissions (2):

Labcorp Genetics (formerly Invitae), Labcorp
Classification: Uncertain significance. Last evaluated: 2025-01-21. Review status: criteria provided, single submitter. Criteria: Invitae Variant Classification Sherloc (09022015). Collection method: clinical testing. Allele origin: germline.
Comment: This sequence change replaces arginine, which is basic and polar, with leucine, which is neutral and non-polar, at codon 573 of the C3 protein (p.Arg573Leu). This variant is present in population databases (rs780877533, gnomAD 0.04%). This variant has not been reported in the literature in individuals affected with C3-related conditions. An algorithm developed to predict the effect of missense changes on protein structure and function (PolyPhen-2) suggests that this variant is likely to be tolerated. In summary, the available evidence is currently insufficient to determine the role of this variant in disease. Therefore, it has been classified as a Variant of Uncertain Significance.

Fulgent Genetics
Classification: Uncertain significance for Age related macular degeneration 9; Atypical hemolytic-uremic syndrome with C3 anomaly; Complement component 3 deficiency. Last evaluated: 2024-03-27. Review status: criteria provided, single submitter. Criteria: ACMG Guidelines, 2015. Collection method: clinical testing. Allele origin: germline.